The following is an entry in ClinVar:

NM_020738.4(KIDINS220):c.4768T>C (p.Ser1590Pro)

Gene: KIDINS220 (kinase D interacting substrate 220; minus strand). Cytogenetic location: 2p25.1.
Variant type: single nucleotide variant.
Coding change: c.4768T>C on transcript NM_020738.4 (MANE Select); coding-DNA position 4768, T replaced by C.
Protein change: p.Ser1590Pro; replaces serine 1590 with proline.
Molecular consequence: missense variant. On other transcripts: intron variant (6).
Genome position (GRCh38, 1-based): chr2:8,731,268, A>G on the plus strand (T>C on the coding strand, the complement: KIDINS220 is on the minus strand). VCF-style: chr2-8731268-A-G. GRCh37 (hg19) VCF-style: chr2-8871398-A-G.
Other names: c.4771T>C, p.Ser1591Pro (NM_001348729.2); c.4714T>C, p.Ser1572Pro (NM_001348731.2); c.4711T>C, p.Ser1571Pro (NM_001348732.2); c.4600T>C, p.Ser1534Pro (NM_001348734.2); c.4597T>C, p.Ser1533Pro (NM_001348735.2); c.4471T>C, p.Ser1491Pro (NM_001348736.2); c.3882+2176T>C (NM_001348741.2, NM_001348742.2, NM_001348743.2); c.3996+2176T>C (NM_001348738.2); and 1 more; short protein forms S1491P, S1533P, S1534P, S1571P, S1572P, S1590P, S1591P.
Identifiers: ClinVar variation 3356011 (VCV003356011.1).
Genomic context (GRCh38, chr2:8,731,268, plus strand): 5'-CAAGCTGGGAGTCATCCGCCACTTCATTGTGCAGAGAGTGATTGGGAGAACTTTCACTGG[A>G]TCTCACTCCTGAATCCGATGAATCCTTTTTGTCAAGGAGCGCATCCGATAAATACTCTTT-3'
Protein context (NP_065789.1, residues 1580-1600): KKDSSDSGVR[Ser1590Pro]SESSPNHSLH

ClinVar aggregate classification (germline): Uncertain significance (0 of 4 stars; one submission).

Conditions:
KIDINS220-related disorder. Also called: KIDINS220-related condition.

Submission:

PreventionGenetics, part of Exact Sciences
Classification: Uncertain significance for KIDINS220-related condition. Last evaluated: 2024-04-18. Review status: no assertion criteria provided. Collection method: clinical testing. Allele origin: germline.
Comment: The KIDINS220 c.4768T>C variant is predicted to result in the amino acid substitution p.Ser1590Pro. To our knowledge, this variant has not been reported in the literature or in a large population database, indicating this variant is rare. At this time, the clinical significance of this variant is uncertain due to the absence of conclusive functional and genetic evidence.